The following is an entry in ClinVar:

NM_001371928.1(AHDC1):c.3109TTC[1] (p.Phe1038del)

Gene: AHDC1 (AT-hook DNA binding motif containing 1; minus strand). Cytogenetic location: 1p36.11.
Variant type: Microsatellite.
Coding change: c.3109TTC[1] on transcript NM_001371928.1 (MANE Select); one copy of the 3-base unit TTC starting at c.3109; the reference has two copies in a row; one copy, 3 bases deleted.
Protein change: p.Phe1038del; deletes phenylalanine 1038.
Molecular consequence: inframe deletion.
Genome position (GRCh38, 1-based): chr1:27,549,002-27,549,004, GAA deleted on the plus strand (TTC on the coding strand, the reverse complement: AHDC1 is on the minus strand); deleting any 3 consecutive bases within chr1:27,549,002-27,549,008 gives the same sequence; the position shown is the placement nearest the transcript's 3' end. VCF-style (leftmost placement, unchanged base first): chr1-27549001-TGAA-T. GRCh37 (hg19) VCF-style: chr1-27875512-TGAA-T.
Other names: c.3109TTC[1], p.Phe1038del (NM_001029882.3); short protein forms F1038del.
Identifiers: ClinVar variation 422633 (VCV000422633.5), dbSNP rs762446869, ClinGen allele CA715619.
Genomic context (GRCh38, chr1:27,549,001, plus strand): 5'-GGCTGTCACAGCGCAGGGGCGTGGGGGCTGAACCAGAGAAGGGGGCCCCCTCAGAGCTGC[TGAA>T]GAAGGAGGCCTTGCTTGGTGGCAGGCAGGGGCCCCCGGTAGGCGGTGGGGCATAGCCGGC-3'

ClinVar aggregate classification (germline): Conflicting classifications of pathogenicity. Review status: criteria provided, conflicting classifications (1 of 4 stars). 2 submissions from 2 submitters: Uncertain significance (1); Likely benign (1). Last evaluated 2024-07-04.

Submissions (2):

Labcorp Genetics (formerly Invitae), Labcorp
Classification: Likely benign. Last evaluated: 2024-07-04. Review status: criteria provided, single submitter. Criteria: Invitae Variant Classification Sherloc (09022015). Collection method: clinical testing. Allele origin: germline.

GeneDx
Classification: Uncertain significance. Last evaluated: 2016-10-24. Review status: criteria provided, single submitter. Criteria: GeneDx Variant Classification (06012015). Collection method: clinical testing. Allele origin: germline. Affected: yes.
Comment: The c.3112_3114delTTC variant in the AHDC1 gene has not been reported previously as a pathogenic variant nor as a benign variant, to our knowledge. The c.3112_3114delTTC variant causes an in-frame deletion of codon Phenylalanine 1038, denoted p.Phe1038del. The c.3112_3114delTTC variant was not observed in approximately 6500 individuals of European and African American ancestry in the NHLBI Exome Sequencing Project, indicating it is not a common benign variant in these populations. We interpret c.3112_3114delTTC as a variant of uncertain significance